The following is an entry in ClinVar:

NM_004655.4(AXIN2):c.98_99delinsTT (p.Thr33Ile)

Gene: AXIN2 (axin 2; minus strand). Cytogenetic location: 17q24.1.
Variant type: Indel.
Coding change: c.98_99delinsTT on transcript NM_004655.4 (MANE Select); coding-DNA positions 98 to 99, CC replaced by TT.
Protein change: p.Thr33Ile; replaces threonine 33 with isoleucine.
Molecular consequence: missense variant.
Genome position (GRCh38, 1-based): chr17:65,558,522-65,558,523, GG replaced by AA on the plus strand (CC replaced by TT on the coding strand, the reverse complement: AXIN2 is on the minus strand). VCF-style: chr17-65558522-GG-AA. GRCh37 (hg19) VCF-style: chr17-63554640-GG-AA.
Other names: c.98_99delinsTT, p.Thr33Ile (NM_001363813.1); short protein forms T33I.
Identifiers: ClinVar variation 1768261 (VCV001768261.2), dbSNP rs2544255383, ClinGen allele CA2580095217.

ClinVar aggregate classification (germline): Uncertain significance (1 of 4 stars; one submission).

Conditions:
Hereditary cancer-predisposing syndrome. Also called: Hereditary Cancer Syndrome; Hereditary neoplastic syndrome; Neoplastic Syndromes, Hereditary; Tumor predisposition. Identifiers: Orphanet 140162, MedGen C0027672, MeSH D009386, MONDO:0015356.

Submission:

Ambry Genetics
Classification: Uncertain significance for Hereditary cancer-predisposing syndrome. Last evaluated: 2022-08-26. Review status: criteria provided, single submitter. Criteria: Ambry Variant Classification Scheme 2023. Collection method: clinical testing. Allele origin: germline.
Comment: The c.98_99delCCinsTT variant, located in coding exon 1 of the AXIN2 gene, results from an in-frame deletion of CC and insertion of TT at nucleotide positions 98 to 99. This results in the substitution of the threonine residue for an isoleucine residue at codon 33, an amino acid with similar properties. This amino acid position is well conserved in available vertebrate species. Since supporting evidence is limited at this time, the clinical significance of this alteration remains unclear.